The following is an entry in ClinVar:

ClinVar aggregate classification (germline): Uncertain significance (1 of 4 stars; one submission).

gnomAD v4.1: 13 of 1,614,046 alleles (0.00081%); highest among the groups gnomAD compares: Admixed American, 0.015%; no homozygotes.

Submission:

Labcorp Genetics (formerly Invitae), Labcorp
Classification: Uncertain significance. Last evaluated: 2025-05-06. Review status: criteria provided, single submitter. Criteria: Invitae Variant Classification Sherloc (09022015). Collection method: clinical testing. Allele origin: germline.
Comment: This sequence change replaces arginine, which is basic and polar, with glutamine, which is neutral and polar, at codon 1461 of the ARID1A protein (p.Arg1461Gln). This variant is present in population databases (no rsID available, gnomAD 0.006%). This variant has not been reported in the literature in individuals affected with ARID1A-related conditions. Invitae Evidence Modeling of protein sequence and biophysical properties (such as structural, functional, and spatial information, amino acid conservation, physicochemical variation, residue mobility, and thermodynamic stability) indicates that this missense variant is not expected to disrupt ARID1A protein function with a negative predictive value of 80%. In summary, the available evidence is currently insufficient to determine the role of this variant in disease. Therefore, it has been classified as a Variant of Uncertain Significance.

NM_006015.6(ARID1A):c.4382G>A (p.Arg1461Gln)

Gene: ARID1A (AT-rich interaction domain 1A; plus strand). Cytogenetic location: 1p36.11.
Variant type: single nucleotide variant.
Coding change: c.4382G>A on transcript NM_006015.6 (MANE Select); coding-DNA position 4382, G replaced by A.
Protein change: p.Arg1461Gln; replaces arginine 1461 with glutamine.
Molecular consequence: missense variant. On other transcripts: intron variant (1).
Genome position (GRCh38, 1-based): chr1:26,774,609, G>A. VCF-style: chr1-26774609-G-A. GRCh37 (hg19) VCF-style: chr1-27101100-G-A.
Other names: c.4102-371G>A (NM_139135.4); short protein forms R1461Q.
Identifiers: ClinVar variation 4775195 (VCV004775195.1).